The following is an entry in ClinVar:

NM_001352913.2(PPP2R5C):c.1318A>G (p.Thr440Ala)

Gene: PPP2R5C (protein phosphatase 2 regulatory subunit B'gamma; plus strand). Cytogenetic location: 14q32.31.
Variant type: single nucleotide variant.
Coding change: c.1318A>G on transcript NM_001352913.2 (MANE Select); coding-DNA position 1318, A replaced by G.
Protein change: p.Thr440Ala; replaces threonine 440 with alanine.
Molecular consequence: missense variant.
Genome position (GRCh38, 1-based): chr14:101,909,590, A>G. VCF-style: chr14-101909590-A-G. GRCh37 (hg19) VCF-style: chr14-102375927-A-G.
Other names: c.1246A>G, p.Thr416Ala (NM_001161725.2); c.1318A>G, p.Thr440Ala (NM_001161726.2); c.1153A>G, p.Thr385Ala (NM_001352912.1, NM_002719.4, NM_178586.3 and 1 more transcripts); c.1333A>G, p.Thr445Ala (NM_001352914.2); c.928A>G, p.Thr310Ala (NM_001352915.2, NM_001352916.2); short protein forms T310A, T385A, T416A, T440A, T445A.
Identifiers: ClinVar variation 4879581 (VCV004879581.1).
Genomic context (GRCh38, chr14:101,909,590, plus strand): 5'-GAGGCGAGGGCTCAGCAGGAATGCGTGCTCCCAGGCTCACCGTGCGGTTTTCTTTATAGG[A>G]CAATACATGGCTTGATATACAACGCCCTGAAGCTCTTCATGGAGATGAACCAAAAGCTAT-3'
Protein context (NP_001339842.1, residues 430-450): YRNSKTHWNK[Thr440Ala]IHGLIYNALK

ClinVar aggregate classification (germline): Uncertain significance (1 of 4 stars; one submission).

Conditions:
Houge-Janssens syndrome 4. Identifiers: MedGen C6012718, MONDO:0978293, OMIM 621185.

Submission:

Victorian Clinical Genetics Services, Murdoch Childrens Research Institute
Classification: Uncertain significance for Houge-Janssens syndrome 4. Last evaluated: 2026-05-15. Review status: criteria provided, single submitter. Criteria: ACMG Guidelines, 2015. Collection method: clinical testing. Allele origin: germline. Affected: yes.
Comment: This variant is classified as VUS-3A. Evidence in support of pathogenic classification: Variant is absent from gnomAD (v2, v3 and v4); Additional information: Variant is predicted to result in a missense amino acid change from Thr to Ala. This variant affects the second nucleotide of exon 13; however, no functional evidence is available to determine the consequence on splicing; This variant is heterozygous; This gene is associated with autosomal dominant disease; This variant has no previous evidence of pathogenicity; No published evidence of segregation with disease has been identified for this variant; No published functional evidence has been identified for this variant; No comparable missense variants have previous evidence for pathogenicity; Variant is located in the annotated protein phosphatase 2A regulatory B subunit (B56 family) domain (DECIPHER); In silico predictions and conservation for missense and splicing outcomes are inconclusive; Dominant negative is a suggested mechanism of disease in this gene and is associated with Houge-Janssens syndrome 4 (MIM#621185; PMID: 39978342).

Literature cited by the submitters: PubMed 39978342.